The following is an entry in ClinVar:

NM_174936.4(PCSK9):c.417T>G (p.His139Gln)

Gene: PCSK9 (proprotein convertase subtilisin/kexin type 9; plus strand). Cytogenetic location: 1p32.3.
Variant type: single nucleotide variant.
Coding change: c.417T>G on transcript NM_174936.4 (MANE Select); coding-DNA position 417, T replaced by G.
Protein change: p.His139Gln; replaces histidine 139 with glutamine.
Molecular consequence: missense variant. On other transcripts: non-coding transcript variant (6), intron variant (1).
Genome position (GRCh38, 1-based): chr1:55,046,540, T>G. VCF-style: chr1-55046540-T-G. GRCh37 (hg19) VCF-style: chr1-55512213-T-G.
Other names: c.540T>G, p.His180Gln (NM_001407240.1); c.417T>G, p.His139Gln (NM_001407241.1, NM_001407242.1, NM_001407244.1 and 1 more transcripts); c.225T>G, p.His75Gln (NM_001407245.1); c.42T>G, p.His14Gln (NM_001407246.1); c.400-40T>G (NM_001407243.1); short protein forms H14Q, H180Q, H75Q, H139Q.
Identifiers: ClinVar variation 3415985 (VCV003415985.1).

ClinVar aggregate classification (germline): Uncertain significance (1 of 4 stars; one submission).

Conditions:
Cardiovascular phenotype. Identifiers: MedGen CN230736.

gnomAD v4.1: 2 of 1,614,030 alleles (0.00012%); highest among the groups gnomAD compares: African/African-American, 0.0027%; no homozygotes.

Submission:

Ambry Genetics
Classification: Uncertain significance for Cardiovascular phenotype. Last evaluated: 2024-11-18. Review status: criteria provided, single submitter. Criteria: Ambry Variant Classification Scheme 2023. Collection method: clinical testing. Allele origin: germline.
Comment: The p.H139Q variant (also known as c.417T>G), located in coding exon 3 of the PCSK9 gene, results from a T to G substitution at nucleotide position 417. The histidine at codon 139 is replaced by glutamine, an amino acid with highly similar properties. This amino acid position is conserved. In addition, this alteration is predicted to be tolerated by in silico analysis. Based on the available evidence, the clinical significance of this variant remains unclear.